The following is an entry in ClinVar:

ClinVar aggregate classification (germline): Likely benign (1 of 4 stars; one submission).

gnomAD v4.1: 117 of 1,614,170 alleles (0.0072%); highest among the groups gnomAD compares: South Asian, 0.11%; 1 homozygote.

Submission:

CeGaT Center for Human Genetics Tuebingen
Classification: Likely benign. Last evaluated: 2026-04-01. Review status: criteria provided, single submitter. Criteria: CeGaT Center For Human Genetics Tuebingen Variant Classification Criteria Version 2. Collection method: clinical testing. Allele origin: germline. Affected: yes. Observed: 1 variant allele.
Comment: COQ5: BP4

NM_032314.4(COQ5):c.490G>A (p.Gly164Arg)

Gene: COQ5 (coenzyme Q5, methyltransferase; minus strand). Cytogenetic location: 12q24.31.
Variant type: single nucleotide variant.
Coding change: c.490G>A on transcript NM_032314.4 (MANE Select); coding-DNA position 490, G replaced by A.
Protein change: p.Gly164Arg; replaces glycine 164 with arginine.
Molecular consequence: missense variant.
Genome position (GRCh38, 1-based): chr12:120,516,651, C>T on the plus strand (G>A on the coding strand, the complement: COQ5 is on the minus strand). VCF-style: chr12-120516651-C-T. GRCh37 (hg19) VCF-style: chr12-120954454-C-T.
Other names: short protein forms G164R.
Identifiers: ClinVar variation 4872761 (VCV004872761.2).